The following is an entry in ClinVar:

NM_053025.4(MYLK):c.4343A>G (p.Asp1448Gly)

Gene: MYLK (myosin light chain kinase; minus strand). Cytogenetic location: 3q21.1.
Variant type: single nucleotide variant.
Coding change: c.4343A>G on transcript NM_053025.4 (MANE Select); coding-DNA position 4343, A replaced by G.
Protein change: p.Asp1448Gly; replaces aspartic acid 1448 with glycine.
Molecular consequence: missense variant.
Genome position (GRCh38, 1-based): chr3:123,649,043, T>C on the plus strand (A>G on the coding strand, the complement: MYLK is on the minus strand). VCF-style: chr3-123649043-T-C. GRCh37 (hg19) VCF-style: chr3-123367890-T-C.
Other names: c.3815A>G, p.Asp1272Gly (NM_001321309.2); c.4136A>G, p.Asp1379Gly (NM_053026.4, NM_053028.4); c.4343A>G, p.Asp1448Gly (NM_053027.4); short protein forms D1379G, D1272G, D1448G.
Identifiers: ClinVar variation 2084329 (VCV002084329.4), dbSNP rs757392371, ClinGen allele CA354227573.

ClinVar aggregate classification (germline): Uncertain significance (1 of 4 stars; one submission).

Conditions:
Aortic aneurysm, familial thoracic 7 (AAT7). Also called: AORTIC DISSECTION, FAMILIAL, WITH OR WITHOUT AORTIC ANEURYSM. Identifiers: MedGen C3151077, MONDO:0013418, OMIM 613780.

Submission:

Labcorp Genetics (formerly Invitae), Labcorp
Classification: Uncertain significance for Aortic aneurysm, familial thoracic 7. Last evaluated: 2022-02-11. Review status: criteria provided, single submitter. Criteria: Invitae Variant Classification Sherloc (09022015). Collection method: clinical testing. Allele origin: germline.
Comment: In summary, the available evidence is currently insufficient to determine the role of this variant in disease. Therefore, it has been classified as a Variant of Uncertain Significance. Algorithms developed to predict the effect of sequence changes on RNA splicing suggest that this variant may create or strengthen a splice site. Advanced modeling of protein sequence and biophysical properties (such as structural, functional, and spatial information, amino acid conservation, physicochemical variation, residue mobility, and thermodynamic stability) performed at Invitae indicates that this missense variant is not expected to disrupt MYLK protein function. This variant has not been reported in the literature in individuals affected with MYLK-related conditions. This variant is not present in population databases (gnomAD no frequency). This sequence change replaces aspartic acid, which is acidic and polar, with glycine, which is neutral and non-polar, at codon 1448 of the MYLK protein (p.Asp1448Gly).